The following is an entry in ClinVar:

NM_001378030.1(CCDC78):c.364C>T (p.Pro122Ser)

Gene: CCDC78 (coiled-coil domain containing 78; minus strand). Cytogenetic location: 16p13.3.
Variant type: single nucleotide variant.
Coding change: c.364C>T on transcript NM_001378030.1 (MANE Select); coding-DNA position 364, C replaced by T.
Protein change: p.Pro122Ser; replaces proline 122 with serine.
Molecular consequence: missense variant. On other transcripts: non-coding transcript variant (5), intron variant (1).
Genome position (GRCh38, 1-based): chr16:725,484, G>A on the plus strand (C>T on the coding strand, the complement: CCDC78 is on the minus strand). VCF-style: chr16-725484-G-A. GRCh37 (hg19) VCF-style: chr16-775484-G-A.
Other names: c.364C>T, p.Pro122Ser (NM_001031737.3, NM_001378031.1); c.-18-191C>T (NM_001378033.1); short protein forms P122S.
Identifiers: ClinVar variation 1347107 (VCV001347107.8), dbSNP rs756781117, ClinGen allele CA7789639.

ClinVar aggregate classification (germline): Uncertain significance (1 of 4 stars; one submission).

Conditions:
Congenital myopathy with internal nuclei and atypical cores. Also called: Myopathy, centronuclear, 4. Identifiers: Orphanet 319160, MedGen C4707232, MONDO:0013890, OMIM 614807.

Allele frequency attached by ClinVar (database versions not stated): TOPMed 0.00001; ExAC 0.00003; gnomAD exomes 0.00003.
gnomAD v4.1: 9 of 1,612,732 alleles (0.00056%); highest among the groups gnomAD compares: Admixed American, 0.013%; no homozygotes.

Submission:

Labcorp Genetics (formerly Invitae), Labcorp
Classification: Uncertain significance for Congenital myopathy with internal nuclei and atypical cores. Last evaluated: 2025-04-23. Review status: criteria provided, single submitter. Criteria: Invitae Variant Classification Sherloc (09022015). Collection method: clinical testing. Allele origin: germline.
Comment: This sequence change replaces proline, which is neutral and non-polar, with serine, which is neutral and polar, at codon 122 of the CCDC78 protein (p.Pro122Ser). This variant is present in population databases (rs756781117, gnomAD 0.02%). This variant has not been reported in the literature in individuals affected with CCDC78-related conditions. ClinVar contains an entry for this variant (Variation ID: 1347107). Invitae Evidence Modeling of protein sequence and biophysical properties (such as structural, functional, and spatial information, amino acid conservation, physicochemical variation, residue mobility, and thermodynamic stability) indicates that this missense variant is not expected to disrupt CCDC78 protein function with a negative predictive value of 80%. In summary, the available evidence is currently insufficient to determine the role of this variant in disease. Therefore, it has been classified as a Variant of Uncertain Significance.